The following is an entry in ClinVar:

ClinVar aggregate classification (germline): Uncertain significance (1 of 4 stars; one submission).

Conditions:
Episodic ataxia type 1 (EA1). Also called: PAROXYSMAL ATAXIA WITH NEUROMYOTONIA, HEREDITARY; ATAXIA, EPISODIC, WITH MYOKYMIA; Episodic ataxia/myokymia syndrome; MYOKYMIA WITH PERIODIC ATAXIA. Identifiers: Orphanet 37612, Orphanet 972, MedGen C1719788, MONDO:0008047, OMIM 160120.

Submission:

Labcorp Genetics (formerly Invitae), Labcorp
Classification: Uncertain significance for Episodic ataxia type 1. Last evaluated: 2022-06-26. Review status: criteria provided, single submitter. Criteria: Invitae Variant Classification Sherloc (09022015). Collection method: clinical testing. Allele origin: germline.
Comment: This variant has not been reported in the literature in individuals affected with KCNA1-related conditions. Advanced modeling of protein sequence and biophysical properties (such as structural, functional, and spatial information, amino acid conservation, physicochemical variation, residue mobility, and thermodynamic stability) performed at Invitae indicates that this missense variant is not expected to disrupt KCNA1 protein function. In summary, the available evidence is currently insufficient to determine the role of this variant in disease. Therefore, it has been classified as a Variant of Uncertain Significance. This variant is not present in population databases (gnomAD no frequency). This sequence change replaces histidine, which is basic and polar, with tyrosine, which is neutral and polar, at codon 33 of the KCNA1 protein (p.His33Tyr).

NM_000217.3(KCNA1):c.97C>T (p.His33Tyr)

Gene: KCNA1 (potassium voltage-gated channel subfamily A member 1; plus strand). Cytogenetic location: 12p13.32.
Variant type: single nucleotide variant.
Coding change: c.97C>T on transcript NM_000217.3 (MANE Select); coding-DNA position 97, C replaced by T.
Protein change: p.His33Tyr; replaces histidine 33 with tyrosine.
Molecular consequence: missense variant.
Genome position (GRCh38, 1-based): chr12:4,911,475, C>T. VCF-style: chr12-4911475-C-T. GRCh37 (hg19) VCF-style: chr12-5020641-C-T.
Other names: short protein forms H33Y.
Identifiers: ClinVar variation 1384109 (VCV001384109.8), dbSNP rs1947351157, ClinGen allele CA383453792.